The following is an entry in ClinVar:

ClinVar aggregate classification (germline): Pathogenic (1 of 4 stars; one submission).

Conditions:
Joubert syndrome. Also called: CEREBELLOPARENCHYMAL DISORDER IV; JOUBERT-BOLTSHAUSER SYNDROME; Familial aplasia of the vermis. Identifiers: Orphanet 475, MedGen C5979921, MONDO:0018772.
Meckel-Gruber syndrome. Also called: DYSENCEPHALIA SPLANCHNOCYSTICA; GRUBER SYNDROME; Dysencephalia splachnocystica. Identifiers: Orphanet 564, MedGen C0265215, MONDO:0018921.

Submission:

Labcorp Genetics (formerly Invitae), Labcorp
Classification: Pathogenic for Joubert syndrome; Meckel-Gruber syndrome. Last evaluated: 2023-02-25. Review status: criteria provided, single submitter. Criteria: Invitae Variant Classification Sherloc (09022015). Collection method: clinical testing. Allele origin: germline.
Comment: For these reasons, this variant has been classified as Pathogenic. This variant disrupts a region of the MKS1 protein in which other variant(s) (p.Asp19Tyr) have been determined to be pathogenic (PMID: 26092869, 26490104; Invitae). This suggests that this is a clinically significant region of the protein, and that variants that disrupt it are likely to be disease-causing. This sequence change affects the initiator methionine of the MKS1 mRNA. The next in-frame methionine is located at codon 144. This variant is not present in population databases (gnomAD no frequency). This variant has not been reported in the literature in individuals affected with MKS1-related conditions.

Literature cited by the submitters: PubMed 26092869; PubMed 26490104.

NM_017777.4(MKS1):c.2T>A (p.Met1Lys)

Genes: MKS1 (MKS transition zone complex subunit 1; minus strand), LOC130061271 (ATAC-STARR-seq lymphoblastoid active region 12461; plus strand). Cytogenetic location: 17q22.
Variant type: single nucleotide variant.
Coding change: c.2T>A on transcript NM_017777.4 (MANE Select); coding-DNA position 2, T replaced by A.
Protein change: p.Met1Lys; changes the start codon (methionine 1).
Molecular consequence: missense variant, initiator codon variant. On other transcripts: 5 prime UTR variant (1).
Genome position (GRCh38, 1-based): chr17:58,219,229, A>T on the plus strand (T>A on the coding strand, the complement: MKS1 is on the minus strand). VCF-style: chr17-58219229-A-T. GRCh37 (hg19) VCF-style: chr17-56296590-A-T.
Other names: c.-510T>A (NM_001321268.2); c.2T>A, p.Met1Lys (NM_001321269.2, NM_001330397.2, NM_001411113.1); short protein forms M1K.
Identifiers: ClinVar variation 2944723 (VCV002944723.3), dbSNP rs1364950881, ClinGen allele CA400328263.